The following is an entry in ClinVar:

NM_001164760.2(PRKAR1B):c.475A>G (p.Ile159Val)

Genes: PRKAR1B (protein kinase cAMP-dependent type I regulatory subunit beta; minus strand), PRKAR1B-AS1 (PRKAR1B antisense RNA 1; plus strand). Cytogenetic location: 7p22.3.
Variant type: single nucleotide variant.
Coding change: c.475A>G on transcript NM_001164760.2 (MANE Select); coding-DNA position 475, A replaced by G.
Protein change: p.Ile159Val; replaces isoleucine 159 with valine.
Molecular consequence: missense variant.
Genome position (GRCh38, 1-based): chr7:607,418, T>C on the plus strand (A>G on the coding strand, the complement: PRKAR1B is on the minus strand). VCF-style: chr7-607418-T-C. GRCh37 (hg19) VCF-style: chr7-647055-T-C.
Other names: c.475A>G, p.Ile159Val (NM_001164758.2, NM_001164759.1, NM_001164761.2 and 2 more transcripts); short protein forms I159V.
Identifiers: ClinVar variation 3363789 (VCV003363789.1).
Genomic context (GRCh38, chr7:607,418, plus strand): 5'-GGACTTTGGCTCCGAGGAGCAGGCAGAACGTACCTTGCTGTATAACAGTCTCCCCAGCGA[T>C]GTGAGTGACAGGGAACATGGCATCGAATATGTCACTGAAAAGCAAAACACGCCAAATTAG-3'
Protein context (NP_001158232.1, residues 149-169): IFDAMFPVTH[Ile159Val]AGETVIQQGN

ClinVar aggregate classification (germline): Uncertain significance (1 of 4 stars; one submission).

Submission:

GeneDx
Classification: Uncertain significance. Last evaluated: 2023-11-02. Review status: criteria provided, single submitter. Criteria: GeneDx Variant Classification Process June 2021. Collection method: clinical testing. Allele origin: germline. Affected: yes.
Comment: Not observed at significant frequency in large population cohorts (gnomAD); In silico analysis supports that this missense variant does not alter protein structure/function; Has not been previously published as pathogenic or benign to our knowledge